The following is an entry in ClinVar:

ClinVar aggregate classification (germline): Conflicting classifications of pathogenicity. Review status: criteria provided, conflicting classifications (1 of 4 stars). 9 submissions from 9 submitters: Uncertain significance (7); Benign (1). 1 of the submissions does not count toward it. Last evaluated 2026-08-13.

Conditions:
MSH6-related disorder. Also called: MSH6-related condition; MSH6-Related disorders.
Hereditary nonpolyposis colorectal neoplasms. Identifiers: MedGen C0009405, MeSH D003123.
Hereditary cancer-predisposing syndrome. Also called: Neoplastic Syndromes, Hereditary; Tumor predisposition; Hereditary Cancer Syndrome; Hereditary neoplastic syndrome. Identifiers: Orphanet 140162, MedGen C0027672, MeSH D009386, MONDO:0015356.
Lynch syndrome 5 (LYNCH5). Also called: Hereditary non-polyposis colorectal cancer, type 5; Colorectal cancer, hereditary nonpolyposis, type 5. Identifiers: Orphanet 144, MedGen C1833477, MONDO:0013710, OMIM 614350. Disease mechanism: loss of function.
Endometrial carcinoma. Also called: Endometrial carcinoma, somatic. Identifiers: MedGen C0476089, MONDO:0002447, OMIM 608089, HP:0012114.

Submissions (9):

PreventionGenetics, part of Exact Sciences
Classification: Uncertain significance for MSH6-related condition. Last evaluated: 2026-08-13. Review status: criteria provided, single submitter. Criteria: ACMG Guidelines, 2015. Collection method: clinical testing. Allele origin: germline.
Comment: The MSH6 c.188C>A variant is predicted to result in the amino acid substitution p.Ser63Tyr. To our knowledge, this variant has not been reported in the literature or in a large population database (gnomAD), indicating this variant is rare. This variant has conflicting interpretations in ClinVar ranging from uncertain to likely benign (Variation ID: 127566). At this time, the clinical significance of this variant is uncertain due to the absence of conclusive functional and genetic evidence.

Ambry Genetics
Classification: Uncertain significance for Hereditary cancer-predisposing syndrome. Last evaluated: 2025-11-18. Review status: criteria provided, single submitter. Criteria: Ambry Variant Classification Scheme 2023. Collection method: clinical testing. Allele origin: germline.
Comment: The p.S63Y variant (also known as c.188C>A), located in coding exon 1 of the MSH6 gene, results from a C to A substitution at nucleotide position 188. The serine at codon 63 is replaced by tyrosine, an amino acid with dissimilar properties. This amino acid position is not well conserved in available vertebrate species. In addition, this alteration is predicted to be tolerated by in silico analysis. Since supporting evidence is limited at this time, the clinical significance of this alteration remains unclear.

Labcorp Genetics (formerly Invitae), Labcorp
Classification: Benign for Hereditary nonpolyposis colorectal neoplasms. Last evaluated: 2025-09-05. Review status: criteria provided, single submitter. Criteria: Invitae Variant Classification Sherloc (09022015). Collection method: clinical testing. Allele origin: germline.

Color Diagnostics, LLC DBA Color Health
Classification: Uncertain significance for Hereditary cancer-predisposing syndrome. Last evaluated: 2025-05-20. Review status: criteria provided, single submitter. Criteria: ACMG Guidelines, 2015. Collection method: clinical testing. Allele origin: germline.
Comment: This missense variant replaces serine with tyrosine at codon 63 of the MSH6 protein. Computational prediction suggests that this variant may not impact protein structure and function. To our knowledge, functional studies have not been reported for this variant. This variant has not been reported in individuals affected with MSH6-related disorders in the literature. This variant has not been identified in the general population by the Genome Aggregation Database (gnomAD). The available evidence is insufficient to determine the role of this variant in disease conclusively. Therefore, this variant is classified as a Variant of Uncertain Significance.

Quest Diagnostics Nichols Institute San Juan Capistrano
Classification: Uncertain significance. Last evaluated: 2025-01-08. Review status: criteria provided, single submitter. Criteria: Quest Diagnostics criteria. Collection method: clinical testing. Allele origin: unknown.
Comment: The MSH6 c.188C>A (p.Ser63Tyr) variant has not been reported in individuals with MSH6-related conditions in the published literature. It also has not been reported in large, multi-ethnic general populations (Genome Aggregation Database). Analysis of this variant using bioinformatics tools for the prediction of the effect of amino acid changes on protein structure and function yielded predictions that this variant is benign. Based on the available information, we are unable to determine the clinical significance of this variant.

Baylor Genetics
Classification: Uncertain significance for Endometrial carcinoma. Last evaluated: 2023-08-02. Review status: criteria provided, single submitter. Criteria: ACMG Guidelines, 2015. Collection method: clinical testing. Allele origin: unknown.

Myriad Genetics, Inc.
Classification: Uncertain significance for Lynch syndrome 5. Last evaluated: 2023-03-29. Review status: criteria provided, single submitter. Criteria: Myriad Autosomal Dominant, Autosomal Recessive and X-Linked Classification Criteria (2023). Collection method: clinical testing. Allele origin: unknown.
Comment: This variant is classified as a variant of uncertain significance as there is insufficient evidence to determine its impact on protein function and/or cancer risk.

GeneDx
Classification: Uncertain significance. Last evaluated: 2022-03-14. Review status: criteria provided, single submitter. Criteria: GeneDx Variant Classification Process June 2021. Collection method: clinical testing. Allele origin: germline. Affected: yes.
Comment: Not observed in large population cohorts (gnomAD); In silico analysis supports that this missense variant does not alter protein structure/function; Has not been previously published as pathogenic or benign to our knowledge

Counsyl
Classification: Uncertain significance for Lynch syndrome 5. Last evaluated: 2018-05-08. Review status: no assertion criteria provided. Collection method: clinical testing. Allele origin: unknown. Not counted in ClinVar's aggregate classification.

NM_000179.3(MSH6):c.188C>A (p.Ser63Tyr)

Gene: MSH6 (mutS homolog 6; plus strand). Cytogenetic location: 2p16.3.
Variant type: single nucleotide variant.
Coding change: c.188C>A on transcript NM_000179.3 (MANE Select); coding-DNA position 188, C replaced by A.
Protein change: p.Ser63Tyr; replaces serine 63 with tyrosine.
Molecular consequence: missense variant. On other transcripts: 5 prime UTR variant (1).
Genome position (GRCh38, 1-based): chr2:47,783,421, C>A. VCF-style: chr2-47783421-C-A. GRCh37 (hg19) VCF-style: chr2-48010560-C-A.
Other names: p.S63Y:TCC>TAC; c.188C>A, p.Ser63Tyr (NM_001281492.2); c.-549C>A (NM_001281493.2); short protein forms S63Y.
Identifiers: ClinVar variation 127566 (VCV000127566.26), dbSNP rs587779920, ClinGen allele CA009399.
Genomic context (GRCh38, chr2:47,783,421, plus strand): 5'-CCCCAGGCGGGGATGCGGCCTGGAGCGAGGCTGGGCCTGGGCCCAGGCCCTTGGCGCGCT[C>A]CGCGTCACCGCCCAAGGCGAAGAACCTCAACGGAGGGCTGCGGAGATCGGTAGCGCCTGC-3'
Protein context (NP_000170.1, residues 53-73): AGPGPRPLAR[Ser63Tyr]ASPPKAKNLN